The following is an entry in ClinVar:

ClinVar aggregate classification (germline): Uncertain significance. Review status: criteria provided, multiple submitters, no conflicts (2 of 4 stars). 2 submissions from 2 submitters: Uncertain significance (2). Last evaluated 2022-08-06.

Allele frequency attached by ClinVar (database versions not stated): TOPMed 0.00001; gnomAD 0.00002; gnomAD exomes 0.00003; ExAC 0.00004.
gnomAD v4.1: 40 of 1,610,578 alleles (0.0025%); highest among the groups gnomAD compares: East Asian, 0.087%; 1 homozygote.

Submissions (2):

Labcorp Genetics (formerly Invitae), Labcorp
Classification: Uncertain significance. Last evaluated: 2022-08-06. Review status: criteria provided, single submitter. Criteria: Invitae Variant Classification Sherloc (09022015). Collection method: clinical testing. Allele origin: germline.
Comment: This sequence change replaces proline, which is neutral and non-polar, with leucine, which is neutral and non-polar, at codon 2932 of the CPLANE1 protein (p.Pro2932Leu). This variant is present in population databases (rs201423077, gnomAD 0.06%). This variant has not been reported in the literature in individuals affected with CPLANE1-related conditions. Algorithms developed to predict the effect of missense changes on protein structure and function are either unavailable or do not agree on the potential impact of this missense change (SIFT: "Deleterious"; PolyPhen-2: "Possibly Damaging"; Align-GVGD: "Class C0"). In summary, the available evidence is currently insufficient to determine the role of this variant in disease. Therefore, it has been classified as a Variant of Uncertain Significance.

Blueprint Genetics
Classification: Uncertain significance. Last evaluated: 2021-04-20. Review status: criteria provided, single submitter. Criteria: ACMG Guidelines, 2015. Collection method: clinical testing. Allele origin: germline.

NM_001384732.1(CPLANE1):c.8957C>T (p.Pro2986Leu)

Gene: CPLANE1 (ciliogenesis and planar polarity effector complex subunit 1; minus strand). Cytogenetic location: 5p13.2.
Variant type: single nucleotide variant.
Coding change: c.8957C>T on transcript NM_001384732.1 (MANE Select); coding-DNA position 8957, C replaced by T.
Protein change: p.Pro2986Leu; replaces proline 2986 with leucine.
Molecular consequence: missense variant.
Genome position (GRCh38, 1-based): chr5:37,125,245, G>A on the plus strand (C>T on the coding strand, the complement: CPLANE1 is on the minus strand). VCF-style: chr5-37125245-G-A. GRCh37 (hg19) VCF-style: chr5-37125347-G-A.
Other names: c.8795C>T, p.Pro2932Leu (NM_023073.4); short protein forms P2932L, P2986L.
Identifiers: ClinVar variation 2177665 (VCV002177665.2), dbSNP rs201423077, ClinGen allele CA3237625.